The following is an entry in ClinVar:

ClinVar aggregate classification (germline): Uncertain significance. Review status: criteria provided, multiple submitters, no conflicts (2 of 4 stars). 2 submissions from 2 submitters: Uncertain significance (2). Last evaluated 2023-07-03.

Conditions:
Familial sleep-related hypermotor epilepsy. Also called: Autosomal Dominant Sleep-Related Hypermotor (Hyperkinetic) Epilepsy. Identifiers: Orphanet 98784, MedGen C3696898, MONDO:0000030.

Allele frequency attached by ClinVar (database versions not stated): gnomAD 0.00001 and 0.00002; TOPMed 0.00001; ExAC 0.00002; gnomAD exomes 0.00002; 1000 Genomes Project 0.00020; 1000 Genomes Project 30x 0.00031.

Submissions (2):

Labcorp Genetics (formerly Invitae), Labcorp
Classification: Uncertain significance. Last evaluated: 2023-07-03. Review status: criteria provided, single submitter. Criteria: Invitae Variant Classification Sherloc (09022015). Collection method: clinical testing. Allele origin: germline.
Comment: This sequence change replaces valine, which is neutral and non-polar, with isoleucine, which is neutral and non-polar, at codon 344 of the CHRNA2 protein (p.Val344Ile). This variant is present in population databases (rs567044128, gnomAD 0.004%). This variant has not been reported in the literature in individuals affected with CHRNA2-related conditions. ClinVar contains an entry for this variant (Variation ID: 476985). Advanced modeling of protein sequence and biophysical properties (such as structural, functional, and spatial information, amino acid conservation, physicochemical variation, residue mobility, and thermodynamic stability) performed at Invitae indicates that this missense variant is not expected to disrupt CHRNA2 protein function. In summary, the available evidence is currently insufficient to determine the role of this variant in disease. Therefore, it has been classified as a Variant of Uncertain Significance.

GeneDx
Classification: Uncertain significance. Last evaluated: 2021-04-21. Review status: criteria provided, single submitter. Criteria: GeneDx Variant Classification Process June 2021. Collection method: clinical testing. Allele origin: germline. Affected: yes.
Comment: Not observed at a significant frequency in large population cohorts (Lek et al., 2016); In silico analysis supports that this missense variant does not alter protein structure/function; Has not been previously published as pathogenic or benign to our knowledge

NM_000742.4(CHRNA2):c.1030G>A (p.Val344Ile)

Gene: CHRNA2 (cholinergic receptor nicotinic alpha 2 subunit; minus strand). Cytogenetic location: 8p21.2.
Variant type: single nucleotide variant.
Coding change: c.1030G>A on transcript NM_000742.4 (MANE Select); coding-DNA position 1030, G replaced by A.
Protein change: p.Val344Ile; replaces valine 344 with isoleucine.
Molecular consequence: missense variant.
Genome position (GRCh38, 1-based): chr8:27,463,413, C>T on the plus strand (G>A on the coding strand, the complement: CHRNA2 is on the minus strand). VCF-style: chr8-27463413-C-T. GRCh37 (hg19) VCF-style: chr8-27320930-C-T.
Other names: c.985G>A, p.Val329Ile (NM_001282455.2); c.553G>A, p.Val185Ile (NM_001347705.2, NM_001347706.2); c.436G>A, p.Val146Ile (NM_001347707.2, NM_001347708.2); short protein forms V344I, V146I, V329I, V185I.
Identifiers: ClinVar variation 476985 (VCV000476985.8), dbSNP rs567044128, ClinGen allele CA4689549.